The following is an entry in ClinVar:

ClinVar aggregate classification (germline): Conflicting classifications of pathogenicity. Review status: criteria provided, conflicting classifications (1 of 4 stars). 9 submissions from 5 submitters: Uncertain significance (7); Benign (2). Last evaluated 2025-05-01.

Conditions:
Autosomal recessive limb-girdle muscular dystrophy type 2J (LGMDR10). Also called: MUSCULAR DYSTROPHY, LIMB-GIRDLE, AUTOSOMAL RECESSIVE 10; Limb-girdle muscular dystrophy, type 2J. Identifiers: Orphanet 140922, MedGen C1837342, MONDO:0012127, OMIM 608807.
Tibial muscular dystrophy (TMD). Also called: Udd Distal Myopathy – Tibial Muscular Dystrophy; UDD MYOPATHY; Tibial muscular dystrophy, tardive. Identifiers: Orphanet 609, MedGen C1838244, MONDO:0010870, OMIM 600334.
TTN-related disorder. Also called: TTN-related condition; TTN-related disease; TTN-related disorders.
Early-onset myopathy with fatal cardiomyopathy (CMYO5). Also called: CONGENITAL MYOPATHY 5 WITH CARDIOMYOPATHY; Salih Myopathy. Identifiers: Orphanet 289377, MedGen C2673677, MONDO:0012714, OMIM 611705. Disease mechanism: loss of function.
Myopathy, myofibrillar, 9, with early respiratory failure (MFM9). Also called: Myopathy, distal, with early respiratory failure, autosomal dominant; EDSTROM MYOPATHY; Hereditary myopathy with early respiratory failure; MYOPATHY, PROXIMAL, WITH EARLY RESPIRATORY MUSCLE INVOLVEMENT. Identifiers: Orphanet 178464, Orphanet 34521, MedGen C1863599, MONDO:0011362, OMIM 603689.
Dilated cardiomyopathy 1G (CMD1G). Identifiers: Orphanet 154, MedGen C1858763, MONDO:0011400, OMIM 604145.

Allele frequency attached by ClinVar (database versions not stated): TOPMed 0.00003; ESP Exome Variant Server 0.00008.
gnomAD v4.1: 62 of 1,613,118 alleles (0.0038%); highest among the groups gnomAD compares: South Asian, 0.034%; no homozygotes.

Submissions (9):

CeGaT Center for Human Genetics Tuebingen
Classification: Uncertain significance. Last evaluated: 2025-05-01. Review status: criteria provided, single submitter. Criteria: CeGaT Center For Human Genetics Tuebingen Variant Classification Criteria Version 2. Collection method: clinical testing. Allele origin: germline. Affected: yes. Observed: 2 variant alleles.

PreventionGenetics, part of Exact Sciences
Classification: Uncertain significance for TTN-related condition. Last evaluated: 2025-04-29. Review status: criteria provided, single submitter. Criteria: ACMG Guidelines, 2015. Collection method: clinical testing. Allele origin: germline.
Comment: The TTN c.102287C>A variant is predicted to result in the amino acid substitution p.Thr34096Asn. To our knowledge, this variant has not been reported in the literature. This variant is reported in 0.033% of alleles in individuals of South Asian descent in gnomAD. At this time, the clinical significance of this variant is uncertain due to the absence of conclusive functional and genetic evidence.

Revvity Omics, Revvity
Classification: Uncertain significance. Last evaluated: 2021-02-11. Review status: criteria provided, single submitter. Criteria: ACMG Guidelines, 2015. Collection method: clinical testing. Allele origin: germline.

Athena Diagnostics
Classification: Uncertain significance. Last evaluated: 2018-07-19. Review status: criteria provided, single submitter. Criteria: Athena Diagnostics Criteria. Collection method: clinical testing. Allele origin: germline.

Illumina Laboratory Services, Illumina
Classification: Uncertain significance for Autosomal recessive limb-girdle muscular dystrophy type 2J. Last evaluated: 2018-01-13. Review status: criteria provided, single submitter. Criteria: ICSL Variant Classification Criteria 13 December 2019. Collection method: clinical testing. Allele origin: germline.

Illumina Laboratory Services, Illumina
Classification: Uncertain significance for Early-onset myopathy with fatal cardiomyopathy. Last evaluated: 2018-01-13. Review status: criteria provided, single submitter. Criteria: ICSL Variant Classification Criteria 13 December 2019. Collection method: clinical testing. Allele origin: germline.

Illumina Laboratory Services, Illumina
Classification: Benign for Tibial muscular dystrophy. Last evaluated: 2018-01-13. Review status: criteria provided, single submitter. Criteria: ICSL Variant Classification Criteria 13 December 2019. Collection method: clinical testing. Allele origin: germline.
Comment: This variant was observed in the ICSL laboratory as part of a predisposition screen in an ostensibly healthy population. It had not been previously curated by ICSL or reported in the Human Gene Mutation Database (HGMD: prior to June 1st, 2018), and was therefore a candidate for classification through an automated scoring system. Utilizing variant allele frequency, disease prevalence and penetrance estimates, and inheritance mode, an automated score was calculated to assess if this variant is too frequent to cause the disease. Based on the score and internal cut-off values, a variant classified as benign is not then subjected to further curation. The score for this variant resulted in a classification of benign for this disease.

Illumina Laboratory Services, Illumina
Classification: Uncertain significance for Dilated cardiomyopathy 1G. Last evaluated: 2018-01-13. Review status: criteria provided, single submitter. Criteria: ICSL Variant Classification Criteria 13 December 2019. Collection method: clinical testing. Allele origin: germline.

Illumina Laboratory Services, Illumina
Classification: Benign for Myopathy, myofibrillar, 9, with early respiratory failure. Last evaluated: 2018-01-13. Review status: criteria provided, single submitter. Criteria: ICSL Variant Classification Criteria 13 December 2019. Collection method: clinical testing. Allele origin: germline.
Comment: the same text as in the submission from Illumina Laboratory Services, Illumina above.

NM_001267550.2(TTN):c.102287C>A (p.Thr34096Asn)

Genes: TTN (titin; minus strand), TTN-AS1 (TTN antisense RNA 1; plus strand). Cytogenetic location: 2q31.2.
Variant type: single nucleotide variant.
Coding change: c.102287C>A on transcript NM_001267550.2 (MANE Select); coding-DNA position 102287, C replaced by A.
Protein change: p.Thr34096Asn; replaces threonine 34096 with asparagine.
Molecular consequence: missense variant.
Genome position (GRCh38, 1-based): chr2:178,534,328, G>T on the plus strand (C>A on the coding strand, the complement: TTN is on the minus strand). VCF-style: chr2-178534328-G-T. GRCh37 (hg19) VCF-style: chr2-179399055-G-T.
Other names: c.102287C>A (LRG_391t1); c.97364C>A, p.Thr32455Asn (NM_001256850.1); c.75092C>A, p.Thr25031Asn (NM_003319.4); c.94583C>A, p.Thr31528Asn (NM_133378.4); c.75467C>A, p.Thr25156Asn (NM_133432.3); c.75668C>A, p.Thr25223Asn (NM_133437.4); short protein forms T34096N, T31528N, T32455N, T25223N, T25031N, T25156N.
Identifiers: ClinVar variation 332698 (VCV000332698.47), dbSNP rs375002174, ClinGen allele CA1985774.